The following is an entry in ClinVar:

NM_002230.4(JUP):c.1738A>T (p.Ile580Phe)

Gene: JUP (junction plakoglobin; minus strand). Cytogenetic location: 17q21.2.
Variant type: single nucleotide variant.
Coding change: c.1738A>T on transcript NM_002230.4 (MANE Select); coding-DNA position 1738, A replaced by T.
Protein change: p.Ile580Phe; replaces isoleucine 580 with phenylalanine.
Molecular consequence: missense variant.
Genome position (GRCh38, 1-based): chr17:41,758,434, T>A on the plus strand (A>T on the coding strand, the complement: JUP is on the minus strand). VCF-style: chr17-41758434-T-A. GRCh37 (hg19) VCF-style: chr17-39914686-T-A.
Other names: c.1738A>T, p.Ile580Phe (NM_001352773.2, NM_001352774.2, NM_001352775.2 and 3 more transcripts); short protein forms I580F.
Identifiers: ClinVar variation 2950055 (VCV002950055.3), dbSNP rs2544048809, ClinGen allele CA399492875.

ClinVar aggregate classification (germline): Uncertain significance (1 of 4 stars; one submission).

Conditions:
Arrhythmogenic right ventricular dysplasia 12. Also called: ARRHYTHMOGENIC RIGHT VENTRICULAR DYSPLASIA, FAMILIAL, 12. Identifiers: MedGen C1969081, MONDO:0012684, OMIM 611528.
Naxos disease (NXD). Also called: KERATOSIS PALMOPLANTARIS WITH ARRHYTHMOGENIC CARDIOMYOPATHY; MAL DE NAXOS; PALMOPLANTAR KERATODERMA WITH ARRHYTHMOGENIC RIGHT VENTRICULAR CARDIOMYOPATHY AND WOOLLY HAIR; WOOLLY HAIR, PALMOPLANTAR KERATODERMA, AND CARDIAC ABNORMALITIES; CARDIOMYOPATHY, ARRHYTHMOGENIC RIGHT VENTRICULAR, WITH SKIN, HAIR, AND NAIL ABNORMALITIES. Identifiers: Orphanet 34217, MedGen C1832600, MONDO:0011017, OMIM 601214.

Submission:

Labcorp Genetics (formerly Invitae), Labcorp
Classification: Uncertain significance for Arrhythmogenic right ventricular dysplasia 12; Naxos disease. Last evaluated: 2023-07-19. Review status: criteria provided, single submitter. Criteria: Invitae Variant Classification Sherloc (09022015). Collection method: clinical testing. Allele origin: germline.
Comment: This sequence change replaces isoleucine, which is neutral and non-polar, with phenylalanine, which is neutral and non-polar, at codon 580 of the JUP protein (p.Ile580Phe). This variant is not present in population databases (gnomAD no frequency). This variant has not been reported in the literature in individuals affected with JUP-related conditions. An algorithm developed to predict the effect of missense changes on protein structure and function (PolyPhen-2) suggests that this variant is likely to be disruptive. In summary, the available evidence is currently insufficient to determine the role of this variant in disease. Therefore, it has been classified as a Variant of Uncertain Significance.